The following is an entry in ClinVar:

NM_001135146.2(SLC39A8):c.1049-17TCT[6]

Genes: SLC39A8 (solute carrier family 39 member 8; minus strand), LOC126807125 (MED14-independent group 3 enhancer GRCh37_chr4:103188587-103189786; plus strand). Cytogenetic location: 4q24.
Variant type: Microsatellite.
Coding change: c.1049-17TCT[6] on transcript NM_001135146.2 (MANE Select); six copies in a row of the 3-base unit TCT starting at c.1049-17; the reference has five copies in a row; one copy, 3 bases duplicated.
Molecular consequence: intron variant.
Genome position (GRCh38, 1-based): chr4:102,267,677-102,267,679, AGA duplicated on the plus strand (TCT on the coding strand, the reverse complement: SLC39A8 is on the minus strand); duplicating any 3 consecutive bases within chr4:102,267,677-102,267,692 gives the same sequence; the position shown is the placement nearest the transcript's 3' end. VCF-style (leftmost placement, unchanged base first): chr4-102267676-T-TAGA. GRCh37 (hg19) VCF-style: chr4-103188833-T-TAGA.
Other names: c.1049-17TCT[6] (NM_001135147.1, NM_022154.5); c.848-17TCT[6] (NM_001135148.2); c.1049-5_1049-3dupTCT (NM_022154.5).
Identifiers: ClinVar variation 3032541 (VCV003032541.2), dbSNP rs71813938, ClinGen allele CA554048529.

ClinVar aggregate classification (germline): Likely benign (0 of 4 stars; one submission).

Conditions:
SLC39A8-related disorder. Also called: SLC39A8-related condition.

Submission:

PreventionGenetics, part of Exact Sciences
Classification: Likely benign for SLC39A8-related condition. Last evaluated: 2020-10-20. Review status: no assertion criteria provided. Collection method: clinical testing. Allele origin: germline.
Comment: This variant is classified as likely benign based on ACMG/AMP sequence variant interpretation guidelines (Richards et al. 2015 PMID: 25741868, with internal and published modifications).